The following is an entry in ClinVar:

ClinVar aggregate classification (germline): Uncertain significance (1 of 4 stars; one submission).

Conditions:
Tay-Sachs disease (TSD). Also called: HEXA DEFICIENCY; GM2 gangliosidosis, type 1; Hexosaminidase alpha-subunit deficiency (variant B); Sphingolipidosis, Tay-Sachs; HEXA Disorders; Hexosaminidase A Deficiency. Identifiers: Orphanet 845, MedGen C0039373, MONDO:0010100, OMIM 272800.

Submission:

Labcorp Genetics (formerly Invitae), Labcorp
Classification: Uncertain significance for Tay-Sachs disease. Last evaluated: 2022-10-17. Review status: criteria provided, single submitter. Criteria: Invitae Variant Classification Sherloc (09022015). Collection method: clinical testing. Allele origin: germline.
Comment: In summary, the available evidence is currently insufficient to determine the role of this variant in disease. Therefore, it has been classified as a Variant of Uncertain Significance. Advanced modeling of protein sequence and biophysical properties (such as structural, functional, and spatial information, amino acid conservation, physicochemical variation, residue mobility, and thermodynamic stability) performed at Invitae indicates that this missense variant is not expected to disrupt HEXA protein function. ClinVar contains an entry for this variant (Variation ID: 1417796). This variant has not been reported in the literature in individuals affected with HEXA-related conditions. This variant is not present in population databases (gnomAD no frequency). This sequence change replaces glutamic acid, which is acidic and polar, with lysine, which is basic and polar, at codon 111 of the HEXA protein (p.Glu111Lys).

NM_000520.6(HEXA):c.331G>A (p.Glu111Lys)

Gene: HEXA (hexosaminidase subunit alpha; minus strand). Cytogenetic location: 15q23.
Variant type: single nucleotide variant.
Coding change: c.331G>A on transcript NM_000520.6 (MANE Select); coding-DNA position 331, G replaced by A.
Protein change: p.Glu111Lys; replaces glutamic acid 111 with lysine.
Molecular consequence: missense variant. On other transcripts: non-coding transcript variant (1).
Genome position (GRCh38, 1-based): chr15:72,356,540, C>T on the plus strand (G>A on the coding strand, the complement: HEXA is on the minus strand). VCF-style: chr15-72356540-C-T. GRCh37 (hg19) VCF-style: chr15-72648881-C-T.
Other names: c.364G>A, p.Glu122Lys (NM_001318825.2); short protein forms E111K, E122K.
Identifiers: ClinVar variation 1417796 (VCV001417796.6), dbSNP rs2140328962, ClinGen allele CA393067185.